The following is an entry in ClinVar:

ClinVar aggregate classification (germline): Likely benign. Review status: criteria provided, single submitter (1 of 4 stars). 2 submissions from 2 submitters: Likely benign (1). 1 of the submissions does not count toward it. Last evaluated 2022-06-01.

Conditions:
COLEC10-related disorder. Also called: COLEC10-related condition.

Allele frequency attached by ClinVar (database versions not stated): gnomAD 0.00001 and 0.00005; TOPMed 0.00001; gnomAD exomes 0.00014; ExAC 0.00017.
gnomAD v4.1: 98 of 1,613,824 alleles (0.0061%); highest among the groups gnomAD compares: South Asian, 0.088%; 1 homozygote.

Submissions (2):

CeGaT Center for Human Genetics Tuebingen
Classification: Likely benign. Last evaluated: 2022-06-01. Review status: criteria provided, single submitter. Criteria: CeGaT Center For Human Genetics Tuebingen Variant Classification Criteria Version 2. Collection method: clinical testing. Allele origin: germline. Affected: yes. Observed: 1 variant allele.
Comment: COLEC10: BP4, BP7

PreventionGenetics, part of Exact Sciences
Classification: Likely benign for COLEC10-related condition. Last evaluated: 2019-05-06. Review status: no assertion criteria provided. Collection method: clinical testing. Allele origin: germline. Not counted in ClinVar's aggregate classification.
Comment: This variant is classified as likely benign based on ACMG/AMP sequence variant interpretation guidelines (Richards et al. 2015 PMID: 25741868, with internal and published modifications).

NM_006438.5(COLEC10):c.759C>T (p.Ser253=)

Gene: COLEC10 (collectin subfamily member 10; plus strand). Cytogenetic location: 8q24.12.
Variant type: single nucleotide variant.
Coding change: c.759C>T on transcript NM_006438.5 (MANE Select); coding-DNA position 759, C replaced by T.
Protein change: p.Ser253=; no amino-acid change (serine 253 retained).
Molecular consequence: synonymous variant.
Genome position (GRCh38, 1-based): chr8:119,106,116, C>T. VCF-style: chr8-119106116-C-T. GRCh37 (hg19) VCF-style: chr8-120118355-C-T.
Other names: c.552C>T, p.Ser184= (NM_001324095.2); c.759C>T (NM_006438.4).
Identifiers: ClinVar variation 1695236 (VCV001695236.32), dbSNP rs755122786, ClinGen allele CA4855286.
Genomic context (GRCh38, chr8:119,106,116, plus strand): 5'-CTGGAATGAGGGGGAACCCAGCGACCCCTATGGTCATGAGGACTGTGTGGAGATGCTGAG[C>T]TCTGGCAGATGGAATGACACAGAGTGCCATCTTACCATGTACTTTGTCTGTGAGTTCATC-3'
Protein context (NP_006429.2, residues 243-263): YGHEDCVEML[Ser253=]SGRWNDTECH